The following is an entry in ClinVar:

ClinVar aggregate classification (germline): Uncertain significance (1 of 4 stars; one submission).

Conditions:
Neurodevelopmental disorder with impaired language, behavioral abnormalities, and dysmorphic facies (NEDLBF). Identifiers: MedGen C5882686, MONDO:0957588, OMIM 620494.

gnomAD v4.1: 1 of 1,613,524 alleles (0.000062%); highest among the groups gnomAD compares: African/African-American, 0.0013%; no homozygotes.

Submission:

Dasa
Classification: Uncertain significance for Neurodevelopmental disorder with impaired language, behavioral abnormalities, and dysmorphic facies. Last evaluated: 2025-12-23. Review status: criteria provided, single submitter. Criteria: DASA Assertion Criteria. Collection method: clinical testing. Allele origin: germline.
Comment: NM_014847.4(UBAP2L):c.2902+6C>T is a splice-region variant. This variant is rare in population databases. Computational prediction algorithms are consistent with a benign effect. The currently available literature and clinical evidence are not sufficient to establish a definitive association between this variant and the reported condition. Therefore, this variant is classified as a variant of uncertain significance.

NM_014847.4(UBAP2L):c.2902+6C>T

Gene: UBAP2L (ubiquitin associated protein 2 like; plus strand). Cytogenetic location: 1q21.3.
Variant type: single nucleotide variant.
Coding change: c.2902+6C>T on transcript NM_014847.4 (MANE Select); 6 bases into the intron after coding-DNA position 2902, C replaced by T.
Molecular consequence: intron variant.
Genome position (GRCh38, 1-based): chr1:154,261,703, C>T. VCF-style: chr1-154261703-C-T. GRCh37 (hg19) VCF-style: chr1-154234179-C-T.
Other names: c.2902+6C>T (NM_001375627.1, NM_001375624.1, NM_001375628.1 and 14 more transcripts); c.2935+6C>T (NM_001375612.1, NM_001375617.1, NM_001330730.1 and 2 more transcripts); c.2881+6C>T (NM_001287815.1).
Identifiers: ClinVar variation 4881714 (VCV004881714.2).
Genomic context (GRCh38, chr1:154,261,703, plus strand): 5'-TCGGCCACCCCTTTCCAACAGCCGAGTGGATATGGGTCTCATGGATACAACACTGGTAAG[C>T]TGACCTTGTCTCTGGCTCGGTGTTATCTGTGGGGTGTTATTGGATAAATTTCAGGGAGGA-3'